The following is an entry in ClinVar:

ClinVar aggregate classification (germline): Uncertain significance (1 of 4 stars; one submission).

Conditions:
Hereditary cancer-predisposing syndrome. Also called: Neoplastic Syndromes, Hereditary; Tumor predisposition; Hereditary Cancer Syndrome; Hereditary neoplastic syndrome. Identifiers: Orphanet 140162, MedGen C0027672, MeSH D009386, MONDO:0015356.

Submission:

Ambry Genetics
Classification: Uncertain significance for Hereditary cancer-predisposing syndrome. Last evaluated: 2019-02-06. Review status: criteria provided, single submitter. Criteria: Ambry Variant Classification Scheme 2023. Collection method: clinical testing. Allele origin: germline.
Comment: The p.A53T variant (also known as c.157G>A), located in coding exon 2 of the MUTYH gene, results from a G to A substitution at nucleotide position 157. The amino acid change results in alanine to threonine at codon 53, an amino acid with similar properties. However, this change occurs in the last base pair of coding exon 2, which makes it likely to have some effect on normal mRNA splicing. This amino acid position is well conserved in available vertebrate species. In addition, this alteration is predicted to be tolerated by in silico analysis. Since supporting evidence is limited at this time, the clinical significance of this alteration remains unclear.

NM_001048174.2(MUTYH):c.115G>A (p.Gly39Ser)

Gene: MUTYH (mutY DNA glycosylase; minus strand). Cytogenetic location: 1p34.1.
Variant type: single nucleotide variant.
Coding change: c.115G>A on transcript NM_001048174.2 (MANE Select); coding-DNA position 115, G replaced by A.
Protein change: p.Gly39Ser; replaces glycine 39 with serine.
Molecular consequence: missense variant. On other transcripts: 5 prime UTR variant (4), non-coding transcript variant (2).
Genome position (GRCh38, 1-based): chr1:45,334,391, C>T on the plus strand (G>A on the coding strand, the complement: MUTYH is on the minus strand). VCF-style: chr1-45334391-C-T. GRCh37 (hg19) VCF-style: chr1-45800063-C-T.
Other names: c.115G>A, p.Gly39Ser (NM_001048171.2, NM_001048173.2, NM_001293195.2); c.115G>A, p.Ala39Thr (NM_001048172.2); c.157G>A, p.Ala53Thr (NM_001128425.2, NM_001293190.2); c.115G>A, p.Gly39Arg (NM_001293191.2); c.-98G>A (NM_001293192.2, NM_001293196.2); c.-157G>A (NM_001350650.2); c.-93G>A (NM_001350651.2); c.157G>A, p.Gly53Arg (NM_012222.3); short protein forms A53T, G53R, A39T, G39R, G39S.
Identifiers: ClinVar variation 819581 (VCV000819581.4), dbSNP rs1570463568, ClinGen allele CA340136925.
Genomic context (GRCh38, chr1:45,334,391, plus strand): 5'-TCCCAGCCTGAATCTGCCTTTCATGGCCAATGAGCCTTGGGCCACAACCTAGTTCCTTAC[C>T]ATCACAGGCAGAAGGCTTGGCCTGACTGTTGTTCTTAGCATGCTTCTGCCTCCCTTCCTG-3'
Protein context (NP_001041639.1, residues 29-49): NSQAKPSACD[Gly39Ser]LARQPEEVVL